The following is an entry in ClinVar:

ClinVar aggregate classification (germline): Uncertain significance. Review status: criteria provided, multiple submitters, no conflicts (2 of 4 stars). 2 submissions from 2 submitters: Uncertain significance (2). Last evaluated 2025-09-02.

Conditions:
Immunodeficiency 19 (IMD19). Also called: CD3-DELTA DEFICIENCY; SEVERE COMBINED IMMUNODEFICIENCY, T CELL-NEGATIVE, B CELL-POSITIVE, NK CELL-POSITIVE; SCID, T CELL-NEGATIVE, B CELL-POSITIVE, NK CELL-POSITIVE; IMMUNODEFICIENCY 19, SEVERE COMBINED. Identifiers: MedGen C3810147, MONDO:0014280, OMIM 615617.
Inborn genetic diseases. Identifiers: MedGen C0950123, MeSH D030342.

gnomAD v4.1: 5 of 1,614,088 alleles (0.00031%); highest among the groups gnomAD compares: Non-Finnish European, 0.00034%; no homozygotes.

Submissions (2):

Labcorp Genetics (formerly Invitae), Labcorp
Classification: Uncertain significance for Immunodeficiency 19. Last evaluated: 2025-09-02. Review status: criteria provided, single submitter. Criteria: Invitae Variant Classification Sherloc (09022015). Collection method: clinical testing. Allele origin: germline.
Comment: This sequence change replaces asparagine, which is neutral and polar, with serine, which is neutral and polar, at codon 74 of the CD3D protein (p.Asn74Ser). This variant is not present in population databases (gnomAD no frequency). This variant has not been reported in the literature in individuals affected with CD3D-related conditions. ClinVar contains an entry for this variant (Variation ID: 3998251). An algorithm developed to predict the effect of missense changes on protein structure and function outputs the following: PolyPhen-2: "Benign". The serine amino acid residue is found in multiple mammalian species, which suggests that this missense change does not adversely affect protein function. In summary, the available evidence is currently insufficient to determine the role of this variant in disease. Therefore, it has been classified as a Variant of Uncertain Significance.

Ambry Genetics
Classification: Uncertain significance for Inborn genetic diseases. Last evaluated: 2025-05-21. Review status: criteria provided, single submitter. Criteria: Ambry Variant Classification Scheme 2023. Collection method: clinical testing. Allele origin: germline.

NM_000732.6(CD3D):c.221A>G (p.Asn74Ser)

Gene: CD3D (CD3 delta subunit of T-cell receptor complex; minus strand). Cytogenetic location: 11q23.3.
Variant type: single nucleotide variant.
Coding change: c.221A>G on transcript NM_000732.6 (MANE Select); coding-DNA position 221, A replaced by G.
Protein change: p.Asn74Ser; replaces asparagine 74 with serine.
Molecular consequence: missense variant.
Genome position (GRCh38, 1-based): chr11:118,340,428, T>C on the plus strand (A>G on the coding strand, the complement: CD3D is on the minus strand). VCF-style: chr11-118340428-T-C. GRCh37 (hg19) VCF-style: chr11-118211143-T-C.
Other names: c.221A>G, p.Asn74Ser (NM_001040651.2); short protein forms N74S.
Identifiers: ClinVar variation 3998251 (VCV003998251.2).